The following is an entry in ClinVar:

ClinVar aggregate classification (germline): Likely benign (1 of 4 stars; one submission).

Allele frequency attached by ClinVar (database versions not stated): 1000 Genomes Project 0.00859; 1000 Genomes Project 30x 0.00906; gnomAD 0.01022 and 0.01103; TOPMed 0.01210.
gnomAD v4.1: 1,541 of 152,228 alleles (1%); highest among the groups gnomAD compares: African/African-American, 3.5%; 24 homozygotes.

Submission:

GeneDx
Classification: Likely benign. Last evaluated: 2018-06-16. Review status: criteria provided, single submitter. Criteria: GeneDx Variant Classification (06012015). Collection method: clinical testing. Allele origin: germline. Affected: yes.
Comment: This variant is considered likely benign or benign based on one or more of the following criteria: it is a conservative change, it occurs at a poorly conserved position in the protein, it is predicted to be benign by multiple in silico algorithms, and/or has population frequency not consistent with disease.

NM_001278716.2(FBXL4):c.1389+184G>A

Gene: FBXL4 (F-box and leucine rich repeat protein 4; minus strand). Cytogenetic location: 6q16.1.
Variant type: single nucleotide variant.
Coding change: c.1389+184G>A on transcript NM_001278716.2 (MANE Select); 184 bases into the intron after coding-DNA position 1389, G replaced by A.
Molecular consequence: intron variant.
Genome position (GRCh38, 1-based): chr6:98,880,369, C>T on the plus strand (G>A on the coding strand, the complement: FBXL4 is on the minus strand). VCF-style: chr6-98880369-C-T. GRCh37 (hg19) VCF-style: chr6-99328245-C-T.
Other names: c.1389+184G>A (NM_012160.5).
Identifiers: ClinVar variation 680955 (VCV000680955.1), dbSNP rs150045568, ClinGen allele CA143900884.
Genomic context (GRCh38, chr6:98,880,369, plus strand): 5'-GAACTATACTCTATTCCACCACACTATACTTCTTTCCTTGCTCTCATGGATAAATAATGT[C>T]AGTGTTTCAAAGACATACTTTCCAATTTAAGAAAAATGTTTGAAAGCAAGGGACAAAGAA-3'